The following is an entry in ClinVar:

ClinVar aggregate classification (germline): Uncertain significance (1 of 4 stars; one submission).

Conditions:
Long QT syndrome (LQTS). Identifiers: MedGen C0023976, MeSH D008133, MONDO:0002442. Disease mechanism: loss of function. Inheritance: Various modes of inheritance.

Submission:

Labcorp Genetics (formerly Invitae), Labcorp
Classification: Uncertain significance for Long QT syndrome. Last evaluated: 2022-08-16. Review status: criteria provided, single submitter. Criteria: Invitae Variant Classification Sherloc (09022015). Collection method: clinical testing. Allele origin: germline.
Comment: In summary, the available evidence is currently insufficient to determine the role of this variant in disease. Therefore, it has been classified as a Variant of Uncertain Significance. Algorithms developed to predict the effect of missense changes on protein structure and function (SIFT, PolyPhen-2, Align-GVGD) all suggest that this variant is likely to be tolerated. ClinVar contains an entry for this variant (Variation ID: 1427406). This variant has not been reported in the literature in individuals affected with KCNH2-related conditions. This variant is not present in population databases (gnomAD no frequency). This sequence change replaces glutamic acid, which is acidic and polar, with lysine, which is basic and polar, at codon 229 of the KCNH2 protein (p.Glu229Lys).

NM_000238.4(KCNH2):c.685G>A (p.Glu229Lys)

Gene: KCNH2 (potassium voltage-gated channel subfamily H member 2; minus strand). Cytogenetic location: 7q36.1.
Variant type: single nucleotide variant.
Coding change: c.685G>A on transcript NM_000238.4 (MANE Select); coding-DNA position 685, G replaced by A.
Protein change: p.Glu229Lys; replaces glutamic acid 229 with lysine.
Molecular consequence: missense variant.
Genome position (GRCh38, 1-based): chr7:150,958,290, C>T on the plus strand (G>A on the coding strand, the complement: KCNH2 is on the minus strand). VCF-style: chr7-150958290-C-T. GRCh37 (hg19) VCF-style: chr7-150655378-C-T.
Other names: c.397G>A, p.Glu133Lys (NM_001406753.1, NM_001406756.1); c.508G>A, p.Glu170Lys (NM_001406755.1); c.385G>A, p.Glu129Lys (NM_001406757.1); c.685G>A, p.Glu229Lys (NM_172056.3); short protein forms E229K, E170K, E129K, E133K.
Identifiers: ClinVar variation 1427406 (VCV001427406.7), dbSNP rs730880116, ClinGen allele CA369862839.
Genomic context (GRCh38, chr7:150,958,290, plus strand): 5'-GGAGCTGGCCGGGCGCGCTGCGGGGCGGAGAGCCGGGACCCACCAGCGCACGCCGCTCCT[C>T]CGCGGGCCCGAGCCCTGCCACGTGGTTGTCCATGGCTGTCACTTCGTCCAGGGCCAGCGA-3'
Protein context (NP_000229.1, residues 219-239): DNHVAGLGPA[Glu229Lys]ERRALVGPGS